The following is an entry in ClinVar:

ClinVar aggregate classification (germline): Pathogenic. Review status: criteria provided, multiple submitters, no conflicts (2 of 4 stars). 4 submissions from 4 submitters: Pathogenic (4). Last evaluated 2023-12-11.

Conditions:
Hereditary cancer-predisposing syndrome. Also called: Hereditary neoplastic syndrome; Tumor predisposition; Hereditary Cancer Syndrome; Neoplastic Syndromes, Hereditary. Identifiers: Orphanet 140162, MedGen C0027672, MeSH D009386, MONDO:0015356.
Familial adenomatous polyposis 1 (FAP1). Also called: FAMILIAL ADENOMATOUS POLYPOSIS 1, ATTENUATED; POLYPOSIS, ADENOMATOUS INTESTINAL. Identifiers: MedGen C2713442, MONDO:0021056, OMIM 175100. Disease mechanism: loss of function.

Submissions (4):

KCCC/NGS Laboratory, Kuwait Cancer Control Center
Classification: Pathogenic for Familial adenomatous polyposis 1. Last evaluated: 2023-12-11. Review status: criteria provided, single submitter. Criteria: ACMG Guidelines, 2015. Collection method: clinical testing. Allele origin: germline. Inheritance: Autosomal dominant inheritance. Affected: yes. Observed: 1 heterozygote.
Comment: A known pathogenic variant is detected in the APC gene (c4333_4334inA). This sequence change creates a premature translational stop signal (p.Thr1445Asnfs*10) in the APC gene. While this is not anticipated to result in nonsense mediated decay, it is expected to disrupt the last 1399 amino acid(s) of the APC protein. This variant is not present in population databases (ExAC no frequency). This premature translational stop signal has been observed in individual(s) with familial adenomatous polyposis (FAP) (PMID: 16088911). This variant is also known as c.4332dupA. This variant is expected to disrupt the EB1 and HDLG binding sites, which mediate interactions with the cytoskeleton (PMID: 15311282, 17293347). While functional studies have not been performed to directly test the effect on APC protein function, this suggests that disruption of the C-terminal portion of the protein is functionally important. A different truncation (p.Tyr2645Lysfs*14) that lies downstream of this variant has been determined to be pathogenic (PMID: 9824584, 1316610, 27081525, 8381579, 22135120, Invitae). This suggests that deletion of this region of the APC protein is causative of disease. For these reasons, this variant has been classified as Pathogenic. This variant has been confirmed by Sanger sequencing. Pathogenic/likely pathogenic variants in the APC gene cause familial adenomatous polyposis (FAP).

Labcorp Genetics (formerly Invitae), Labcorp
Classification: Pathogenic for Familial adenomatous polyposis 1. Last evaluated: 2023-08-11. Review status: criteria provided, single submitter. Criteria: Invitae Variant Classification Sherloc (09022015). Collection method: clinical testing. Allele origin: germline.
Comment: ClinVar contains an entry for this variant (Variation ID: 1070412). This variant is expected to disrupt the EB1 and HDLG binding sites, which mediate interactions with the cytoskeleton (PMID: 15311282, 17293347). While functional studies have not been performed to directly test the effect on APC protein function, this suggests that disruption of the C-terminal portion of the protein is functionally important. A different truncation (p.Tyr2645Lysfs*14) that lies downstream of this variant has been determined to be pathogenic (PMID: 9824584, 1316610, 27081525, 8381579, 22135120, Invitae). This suggests that deletion of this region of the APC protein is causative of disease. For these reasons, this variant has been classified as Pathogenic. This variant is also known as c.4332dupA. This premature translational stop signal has been observed in individual(s) with familial adenomatous polyposis (FAP) (PMID: 16088911). This variant is not present in population databases (gnomAD no frequency). This sequence change creates a premature translational stop signal (p.Thr1445Asnfs*10) in the APC gene. While this is not anticipated to result in nonsense mediated decay, it is expected to disrupt the last 1399 amino acid(s) of the APC protein.

Myriad Genetics, Inc.
Classification: Pathogenic for Familial adenomatous polyposis 1. Last evaluated: 2023-05-10. Review status: criteria provided, single submitter. Criteria: Myriad Autosomal Dominant, Autosomal Recessive and X-Linked Classification Criteria (2023). Collection method: clinical testing. Allele origin: unknown.
Comment: This variant is considered pathogenic. This variant creates a frameshift predicted to result in premature protein truncation.

Ambry Genetics
Classification: Pathogenic for Hereditary cancer-predisposing syndrome. Last evaluated: 2017-02-27. Review status: criteria provided, single submitter. Criteria: Ambry Variant Classification Scheme 2023. Collection method: clinical testing. Allele origin: germline.
Comment: The c.4333dupA pathogenic mutation, located in coding exon 15 of the APC gene, results from a duplication of A at nucleotide position 4333, causing a translational frameshift with a predicted alternate stop codon (p.T1445Nfs*10). This mutation has been reported in a cohort of Korean familial adenomatous polyposis (FAP) patients (Kim DW et al. Hum. Mutat., 2005 Sep;26:281). In addition to the clinical data presented in the literature, this alteration is expected to result in loss of function by premature protein truncation. As such, this alteration is interpreted as a disease-causing mutation.

Literature cited by the submitters: PubMed 15311282 (cited by Labcorp Genetics (formerly Invitae), Labcorp); PubMed 17293347 (cited by Labcorp Genetics (formerly Invitae), Labcorp); PubMed 9824584 (cited by Labcorp Genetics (formerly Invitae), Labcorp); PubMed 1316610 (cited by Labcorp Genetics (formerly Invitae), Labcorp); PubMed 27081525 (cited by Labcorp Genetics (formerly Invitae), Labcorp); PubMed 8381579 (cited by Labcorp Genetics (formerly Invitae), Labcorp); PubMed 22135120 (cited by Labcorp Genetics (formerly Invitae), Labcorp); PubMed 16088911 (cited by Labcorp Genetics (formerly Invitae), Labcorp and Ambry Genetics).

NM_000038.6(APC):c.4333dup (p.Thr1445fs)

Gene: APC (APC regulator of Wnt signaling pathway; plus strand). Cytogenetic location: 5q22.2.
Variant type: Duplication.
Coding change: c.4333dup on transcript NM_000038.6 (MANE Select); coding-DNA position 4333, one base duplicated (A; older notation c.4333dupA).
Protein change: p.Thr1445fs; shifts the reading frame from threonine 1445.
Molecular consequence: frameshift variant.
Genome position (GRCh38, 1-based): chr5:112,839,927, A duplicated; the last of 3 consecutive A bases (chr5:112,839,925-112,839,927); duplicating any one gives the same sequence. VCF-style (leftmost placement, unchanged base first): chr5-112839924-C-CA. GRCh37 (hg19) VCF-style: chr5-112175621-C-CA.
Other names: c.4333dup, p.Thr1445fs (NM_001127510.3, NM_001354895.2); c.4279dup, p.Thr1427fs (NM_001127511.3); c.4387dup, p.Thr1463fs (NM_001354896.2); c.4363dup, p.Thr1455fs (NM_001354897.2); c.4258dup, p.Thr1420fs (NM_001354898.2); c.4249dup, p.Thr1417fs (NM_001354899.2); c.4210dup, p.Thr1404fs (NM_001354900.2); c.4156dup, p.Thr1386fs (NM_001354901.2); and 7 more; short protein forms T1162fs, T1285fs, T1319fs, T1344fs, T1354fs, T1386fs, T1404fs, T1417fs.
Identifiers: ClinVar variation 1070412 (VCV001070412.15), dbSNP rs2149911981, ClinGen allele CA658760696.
Genomic context (GRCh38, chr5:112,839,924, plus strand): 5'-CCAGATAGCCCTGGACAAACCATGCCACCAAGCAGAAGTAAAACACCTCCACCACCTCCT[C>CA]AAACAGCTCAAACCAAGCGAGAAGTACCTAAAAATAAAGCACCTACTGCTGAAAAGAGAG-3'